The following is an entry in ClinVar:

NM_006031.6(PCNT):c.333C>T (p.Asp111=)

Gene: PCNT (pericentrin; plus strand). Cytogenetic location: 21q22.3.
Variant type: single nucleotide variant.
Coding change: c.333C>T on transcript NM_006031.6 (MANE Select); coding-DNA position 333, C replaced by T.
Protein change: p.Asp111=; no amino-acid change (aspartic acid 111 retained).
Molecular consequence: synonymous variant. On other transcripts: 5 prime UTR variant (1).
Genome position (GRCh38, 1-based): chr21:46,334,462, C>T. VCF-style: chr21-46334462-C-T. GRCh37 (hg19) VCF-style: chr21-47754376-C-T.
Other names: c.-22C>T (NM_001315529.2).
Identifiers: ClinVar variation 3352530 (VCV003352530.1).

ClinVar aggregate classification (germline): Likely benign (0 of 4 stars; one submission).

Conditions:
PCNT-related disorder. Also called: PCNT-related condition.

gnomAD v4.1: 1 of 1,614,226 alleles (0.000062%); highest among the groups gnomAD compares: African/African-American, 0.0013%; no homozygotes.

Submission:

PreventionGenetics, part of Exact Sciences
Classification: Likely benign for PCNT-related condition. Last evaluated: 2024-05-16. Review status: no assertion criteria provided. Collection method: clinical testing. Allele origin: germline.
Comment: This variant is classified as likely benign based on ACMG/AMP sequence variant interpretation guidelines (Richards et al. 2015 PMID: 25741868, with internal and published modifications).